The following is an entry in ClinVar:

NM_001035.3(RYR2):c.8063T>A (p.Met2688Lys)

Gene: RYR2 (ryanodine receptor 2; plus strand). Cytogenetic location: 1q43.
Variant type: single nucleotide variant.
Coding change: c.8063T>A on transcript NM_001035.3 (MANE Select); coding-DNA position 8063, T replaced by A.
Protein change: p.Met2688Lys; replaces methionine 2688 with lysine.
Molecular consequence: missense variant.
Genome position (GRCh38, 1-based): chr1:237,655,918, T>A. VCF-style: chr1-237655918-T-A. GRCh37 (hg19) VCF-style: chr1-237819218-T-A.
Other names: c.8063T>A, p.Met2688Lys (LRG_402t1); short protein forms M2688K.
Identifiers: ClinVar variation 463643 (VCV000463643.22), dbSNP rs1257768473, ClinGen allele CA345400937.

ClinVar aggregate classification (germline): Uncertain significance. Review status: criteria provided, multiple submitters, no conflicts (2 of 4 stars). 5 submissions from 5 submitters: Uncertain significance (5). Last evaluated 2025-03-31.

Conditions:
Cardiovascular phenotype. Identifiers: MedGen CN230736.
Catecholaminergic polymorphic ventricular tachycardia (CVPT). Also called: Catecholamine-induced polymorphic ventricular tachycardia. Identifiers: Orphanet 3286, MedGen C5574922, MONDO:0017990.
Catecholaminergic polymorphic ventricular tachycardia 1. Also called: VENTRICULAR TACHYCARDIA, STRESS-INDUCED POLYMORPHIC 1; VENTRICULAR TACHYCARDIA, CATECHOLAMINERGIC POLYMORPHIC, 1, WITH OR WITHOUT ATRIAL DYSFUNCTION AND/OR DILATED CARDIOMYOPATHY; RYR2-Related Catecholaminergic Polymorphic Ventricular Tachycardia. Identifiers: Orphanet 3286, MedGen C1631597, MONDO:0011484, OMIM 604772.
Cardiomyopathy (CMYO). Also called: Cardiomyopathies. Identifiers: Orphanet 167848, MedGen C0878544, MONDO:0004994, HP:0001638. Inheritance: Various modes of inheritance.

Allele frequency attached by ClinVar (database versions not stated): gnomAD 0.00001; TOPMed 0.00001.
gnomAD v4.1: 6 of 1,613,060 alleles (0.00037%); highest among the groups gnomAD compares: Non-Finnish European, 0.00051%; no homozygotes.

Submissions (5):

Labcorp Genetics (formerly Invitae), Labcorp
Classification: Uncertain significance for Catecholaminergic polymorphic ventricular tachycardia 1. Last evaluated: 2025-03-31. Review status: criteria provided, single submitter. Criteria: Invitae Variant Classification Sherloc (09022015). Collection method: clinical testing. Allele origin: germline.
Comment: This sequence change replaces methionine, which is neutral and non-polar, with lysine, which is basic and polar, at codon 2688 of the RYR2 protein (p.Met2688Lys). This variant is present in population databases (no rsID available, gnomAD 0.0009%). This variant has not been reported in the literature in individuals affected with RYR2-related conditions. ClinVar contains an entry for this variant (Variation ID: 463643). Invitae Evidence Modeling of protein sequence and biophysical properties (such as structural, functional, and spatial information, amino acid conservation, physicochemical variation, residue mobility, and thermodynamic stability) indicates that this missense variant is not expected to disrupt RYR2 protein function with a negative predictive value of 95%. In summary, the available evidence is currently insufficient to determine the role of this variant in disease. Therefore, it has been classified as a Variant of Uncertain Significance.

Ambry Genetics
Classification: Uncertain significance for Cardiovascular phenotype. Last evaluated: 2025-03-14. Review status: criteria provided, single submitter. Criteria: Ambry Variant Classification Scheme 2023. Collection method: clinical testing. Allele origin: germline.
Comment: The p.M2688K variant (also known as c.8063T>A), located in coding exon 53 of the RYR2 gene, results from a T to A substitution at nucleotide position 8063. The methionine at codon 2688 is replaced by lysine, an amino acid with similar properties. This amino acid position is well conserved in available vertebrate species. In addition, the in silico prediction for this alteration is inconclusive. Based on the available evidence, the clinical significance of this variant remains unclear.

Color Diagnostics, LLC DBA Color Health
Classification: Uncertain significance for Cardiomyopathy. Last evaluated: 2024-03-06. Review status: criteria provided, single submitter. Criteria: ACMG Guidelines, 2015. Collection method: clinical testing. Allele origin: germline.
Comment: This variant replaces methionine with lysine at codon 2688 of the RYR2 protein. Computational prediction suggests that this variant may not impact protein structure and function (internally defined REVEL score threshold <= 0.5, PMID: 27666373). To our knowledge, functional studies have not been reported for this variant. This variant has not been reported in individuals affected with RYR2-related disorders in the literature. This variant has been identified in 1/244524 chromosomes in the general population by the Genome Aggregation Database (gnomAD). The available evidence is insufficient to determine the role of this variant in disease conclusively. Therefore, this variant is classified as a Variant of Uncertain Significance.

All of Us Research Program, National Institutes of Health
Classification: Uncertain significance for Catecholaminergic polymorphic ventricular tachycardia. Last evaluated: 2024-03-05. Review status: criteria provided, single submitter. Criteria: ACMG Guidelines, 2015. Collection method: clinical testing. Allele origin: germline. Inheritance: Autosomal dominant inheritance. Observed: 2 variant alleles, 2 heterozygotes.
Comment: Variant of Uncertain Significance due to insufficient evidence: This missense variant is located in the cytoplasmic domain of the RYR2 protein. Computational prediction tools and conservation analyses are inconclusive regarding the impact of this variant on the protein function. Computational splicing tools suggest that this variant may not impact RNA splicing. To our knowledge, functional assays have not been performed for this variant nor has this variant been reported in individuals affected with cardiovascular disorders in the literature. This variant has been identified in 1/244524 chromosomes in the general population by the Genome Aggregation Database (gnomAD). Available evidence is insufficient to determine the pathogenicity of this variant conclusively.

This study involves interpretation of variants in research participants for the purpose of population health screening. Participant phenotype was not available at the time of variant classification. Additional details can be found in publication PMID: 35346344, PMCID: PMC8962531

GeneDx
Classification: Uncertain significance. Last evaluated: 2022-02-01. Review status: criteria provided, single submitter. Criteria: GeneDx Variant Classification Process June 2021. Collection method: clinical testing. Allele origin: germline. Affected: yes.
Comment: Has not been previously published as pathogenic or benign to our knowledge; Not observed in large population cohorts (gnomAD); In silico analysis supports that this missense variant does not alter protein structure/function; Not located in one of the three hot-spot regions of the RYR2 gene, where the majority of pathogenic missense variants occur (Medeiros-Domingo et al., 2009); Reported in ClinVar as a variant of uncertain significance (ClinVar Variant ID# 463643; ClinVar)